The following is an entry in ClinVar:

ClinVar aggregate classification (germline): Uncertain significance (1 of 4 stars; one submission).

Conditions:
Vitelliform macular dystrophy 4. Identifiers: Orphanet 99000, MedGen C4015342, MONDO:0014508, OMIM 616151.

Submission:

Institute of Human Genetics, University of Goettingen
Classification: Uncertain significance for Vitelliform macular dystrophy 4. Last evaluated: 2023-01-11. Review status: criteria provided, single submitter. Criteria: ACMG Guidelines, 2015. Collection method: clinical testing. Allele origin: unknown. Inheritance: Autosomal dominant inheritance. Observed: 1 heterozygote.
Comment: The variant c.2362G>T (p.(Glu788*)) in exon 17 of the IMPG1 gene is not found in the gnomAD database and it changes the protein sequence at position 788 and interrupts the reading frame prematurely by generating a STOP codon. As the variant most likely removes <10% of the protein, ACMG criterion PVS1_mod is applied. ACMG criteria used for classification: PVS1_mod, PM2.

NM_001563.4(IMPG1):c.2362G>T (p.Glu788Ter)

Gene: IMPG1 (interphotoreceptor matrix proteoglycan 1; minus strand). Cytogenetic location: 6q14.1.
Variant type: single nucleotide variant.
Coding change: c.2362G>T on transcript NM_001563.4 (MANE Select); coding-DNA position 2362, G replaced by T.
Protein change: p.Glu788Ter; replaces glutamic acid 788 with a stop codon.
Molecular consequence: nonsense.
Genome position (GRCh38, 1-based): chr6:75,922,121, C>A on the plus strand (G>T on the coding strand, the complement: IMPG1 is on the minus strand). VCF-style: chr6-75922121-C-A. GRCh37 (hg19) VCF-style: chr6-76631838-C-A.
Other names: c.2128G>T, p.Glu710Ter (NM_001282368.2); short protein forms E710*, E788*.
Identifiers: ClinVar variation 1810752 (VCV001810752.2), dbSNP rs2535853869, ClinGen allele CA364765903.